The following is an entry in ClinVar:

NM_012418.4(FSCN2):c.14G>T (p.Gly5Val)

Gene: FSCN2 (fascin actin-bundling protein 2, retinal; plus strand). Cytogenetic location: 17q25.3.
Variant type: single nucleotide variant.
Coding change: c.14G>T on transcript NM_012418.4 (MANE Select); coding-DNA position 14, G replaced by T.
Protein change: p.Gly5Val; replaces glycine 5 with valine.
Molecular consequence: missense variant.
Genome position (GRCh38, 1-based): chr17:81,528,545, G>T. VCF-style: chr17-81528545-G-T. GRCh37 (hg19) VCF-style: chr17-79495571-G-T.
Other names: c.14G>T, p.Gly5Val (NM_001077182.3); short protein forms G5V.
Identifiers: ClinVar variation 1349365 (VCV001349365.8), dbSNP rs1230397592, ClinGen allele CA401469255.

ClinVar aggregate classification (germline): Uncertain significance (1 of 4 stars; one submission).

Submission:

Labcorp Genetics (formerly Invitae), Labcorp
Classification: Uncertain significance. Last evaluated: 2022-03-19. Review status: criteria provided, single submitter. Criteria: Invitae Variant Classification Sherloc (09022015). Collection method: clinical testing. Allele origin: germline.
Comment: In summary, the available evidence is currently insufficient to determine the role of this variant in disease. Therefore, it has been classified as a Variant of Uncertain Significance. This variant has not been reported in the literature in individuals affected with FSCN2-related conditions. Algorithms developed to predict the effect of missense changes on protein structure and function are either unavailable or do not agree on the potential impact of this missense change (SIFT: "Deleterious"; PolyPhen-2: "Possibly Damaging"; Align-GVGD: "Class C0"). This variant is not present in population databases (gnomAD no frequency). This sequence change replaces glycine, which is neutral and non-polar, with valine, which is neutral and non-polar, at codon 5 of the FSCN2 protein (p.Gly5Val).